The following is an entry in ClinVar:

NM_000548.5(TSC2):c.5277del (p.Tyr1760fs)

Gene: TSC2 (TSC complex subunit 2; plus strand). Cytogenetic location: 16p13.3.
Variant type: Deletion.
Coding change: c.5277del on transcript NM_000548.5 (MANE Select); coding-DNA position 5277, one base deleted (C; older notation c.5277delC).
Protein change: p.Tyr1760fs; shifts the reading frame from tyrosine 1760.
Molecular consequence: frameshift variant. On other transcripts: non-coding transcript variant (5).
Genome position (GRCh38, 1-based): chr16:2,088,463, C deleted; the last of 2 consecutive C bases (chr16:2,088,462-2,088,463); deleting either gives the same sequence. VCF-style (leftmost placement, unchanged base first): chr16-2088461-GC-G. GRCh37 (hg19) VCF-style: chr16-2138462-GC-G.
Other names: c.5205del, p.Tyr1736fs (NM_001406664.1); c.5199del, p.Tyr1734fs (NM_001406665.1); c.5169del, p.Tyr1724fs (NM_001406667.1); c.5076del, p.Tyr1693fs (NM_001077183.3); c.5208del, p.Tyr1737fs (NM_001114382.3); c.4968del, p.Tyr1657fs (NM_001318827.2); c.4932del, p.Tyr1645fs (NM_001318829.2); c.4545del, p.Tyr1516fs (NM_001318831.2); and 27 more; short protein forms Y1656fs, Y1693fs, Y1694fs, Y1704fs, Y1713fs, Y1759fs, Y1245fs, Y1644fs.
Identifiers: ClinVar variation 2710601 (VCV002710601.3), dbSNP rs2544511012, ClinGen allele CA2697549445.

ClinVar aggregate classification (germline): Uncertain significance (1 of 4 stars; one submission).

Conditions:
Tuberous sclerosis 2 (TSC2). Identifiers: Orphanet 805, MedGen C1860707, MONDO:0013199, OMIM 613254.

Submission:

Labcorp Genetics (formerly Invitae), Labcorp
Classification: Uncertain significance for Tuberous sclerosis 2. Last evaluated: 2024-01-21. Review status: criteria provided, single submitter. Criteria: Invitae Variant Classification Sherloc (09022015). Collection method: clinical testing. Allele origin: germline.
Comment: This sequence change results in a frameshift in the TSC2 gene (p.Tyr1760Thrfs*66). While this is not anticipated to result in nonsense mediated decay, it is expected to disrupt the last 48 amino acid(s) of the TSC2 protein and extend the protein by 17 additional amino acid residues. This variant is not present in population databases (gnomAD no frequency). This variant has not been reported in the literature in individuals affected with TSC2-related conditions. Experimental studies and prediction algorithms are not available or were not evaluated, and the functional significance of this variant is currently unknown. In summary, the available evidence is currently insufficient to determine the role of this variant in disease. Therefore, it has been classified as a Variant of Uncertain Significance.